The following is an entry in ClinVar:

ClinVar aggregate classification (germline): Uncertain significance. Review status: criteria provided, multiple submitters, no conflicts (2 of 4 stars). 2 submissions from 2 submitters: Uncertain significance (2). Last evaluated 2025-01-27.

Conditions:
Inborn genetic diseases. Identifiers: MedGen C0950123, MeSH D030342.

Allele frequency attached by ClinVar (database versions not stated): gnomAD exomes below 0.00001 and 0.00001; gnomAD 0.00001; TOPMed 0.00001.
gnomAD v4.1: 5 of 1,613,572 alleles (0.00031%); highest among the groups gnomAD compares: Admixed American, 0.005%; no homozygotes.

Submissions (2):

Labcorp Genetics (formerly Invitae), Labcorp
Classification: Uncertain significance. Last evaluated: 2025-01-27. Review status: criteria provided, single submitter. Criteria: Invitae Variant Classification Sherloc (09022015). Collection method: clinical testing. Allele origin: germline.
Comment: This sequence change replaces arginine, which is basic and polar, with glutamine, which is neutral and polar, at codon 212 of the POLR1A protein (p.Arg212Gln). This variant is present in population databases (no rsID available, gnomAD 0.003%). This variant has not been reported in the literature in individuals affected with POLR1A-related conditions. ClinVar contains an entry for this variant (Variation ID: 1374818). Invitae Evidence Modeling of protein sequence and biophysical properties (such as structural, functional, and spatial information, amino acid conservation, physicochemical variation, residue mobility, and thermodynamic stability) indicates that this missense variant is not expected to disrupt POLR1A protein function with a negative predictive value of 80%. In summary, the available evidence is currently insufficient to determine the role of this variant in disease. Therefore, it has been classified as a Variant of Uncertain Significance.

Ambry Genetics
Classification: Uncertain significance for Inborn genetic diseases. Last evaluated: 2021-09-16. Review status: criteria provided, single submitter. Criteria: Ambry Variant Classification Scheme 2023. Collection method: clinical testing. Allele origin: germline.

NM_015425.6(POLR1A):c.635G>A (p.Arg212Gln)

Gene: POLR1A (RNA polymerase I subunit A; minus strand). Cytogenetic location: 2p11.2.
Variant type: single nucleotide variant.
Coding change: c.635G>A on transcript NM_015425.6 (MANE Select); coding-DNA position 635, G replaced by A.
Protein change: p.Arg212Gln; replaces arginine 212 with glutamine.
Molecular consequence: missense variant.
Genome position (GRCh38, 1-based): chr2:86,088,661, C>T on the plus strand (G>A on the coding strand, the complement: POLR1A is on the minus strand). VCF-style: chr2-86088661-C-T. GRCh37 (hg19) VCF-style: chr2-86315784-C-T.
Other names: c.635G>A (NM_015425.3); short protein forms R212Q.
Identifiers: ClinVar variation 1374818 (VCV001374818.7), dbSNP rs1203883311, ClinGen allele CA347555721.